The following is an entry in ClinVar:

ClinVar aggregate classification (germline): Uncertain significance (1 of 4 stars; one submission).

Conditions:
Axenfeld-Rieger syndrome type 3 (RIEG3). Also called: AXENFELD-RIEGER ANOMALY WITH CARDIAC DEFECTS AND/OR SENSORINEURAL HEARING LOSS. Identifiers: Orphanet 782, MedGen C2678503, MONDO:0011233, OMIM 602482.

Submission:

Labcorp Genetics (formerly Invitae), Labcorp
Classification: Uncertain significance for Axenfeld-Rieger syndrome type 3. Last evaluated: 2024-04-13. Review status: criteria provided, single submitter. Criteria: Invitae Variant Classification Sherloc (09022015). Collection method: clinical testing. Allele origin: germline.
Comment: This sequence change replaces serine, which is neutral and polar, with threonine, which is neutral and polar, at codon 538 of the FOXC1 protein (p.Ser538Thr). This variant is not present in population databases (gnomAD no frequency). This variant has not been reported in the literature in individuals affected with FOXC1-related conditions. An algorithm developed to predict the effect of missense changes on protein structure and function (PolyPhen-2) suggests that this variant is likely to be tolerated. In summary, the available evidence is currently insufficient to determine the role of this variant in disease. Therefore, it has been classified as a Variant of Uncertain Significance.

NM_001453.3(FOXC1):c.1612T>A (p.Ser538Thr)

Gene: FOXC1 (forkhead box C1; plus strand). Cytogenetic location: 6p25.3.
Variant type: single nucleotide variant.
Coding change: c.1612T>A on transcript NM_001453.3 (MANE Select); coding-DNA position 1612, T replaced by A.
Protein change: p.Ser538Thr; replaces serine 538 with threonine.
Molecular consequence: missense variant.
Genome position (GRCh38, 1-based): chr6:1,612,057, T>A. VCF-style: chr6-1612057-T-A. GRCh37 (hg19) VCF-style: chr6-1612292-T-A.
Other names: short protein forms S538T.
Identifiers: ClinVar variation 3704239 (VCV003704239.2).